The following is an entry in ClinVar:

ClinVar aggregate classification (germline): Pathogenic (1 of 4 stars; one submission).

Conditions:
Severe myoclonic epilepsy in infancy (DRVT). Also called: Epileptic encephalopathy, early infantile, 6 (Dravet syndrome); SEVERE MYOCLONIC EPILEPSY OF INFANCY; DEVELOPMENTAL AND EPILEPTIC ENCEPHALOPATHY 6A; Severe Myoclonic Epilepsy in Infancy (SMEI); Dravet syndrome. Identifiers: Orphanet 33069, MedGen C0751122, MONDO:0100135, OMIM 607208.

Submission:

Center for Bioinformatics, Peking University
Classification: Pathogenic for Dravet syndrome. Last evaluated: 2014-12-20. Review status: criteria provided, single submitter. Criteria: Xu et al. (Hum Mutat. 2015). Collection method: research. Allele origin: de novo. Affected: yes. Observed: 1 variant allele. Study: University Clinical Cooperation “985 Project” PKU-2014-1-1.
Comment: Dravet syndrome (DS) probands were recruited from the outpatient and inpatient child neurology units of Peking University First Hospital from 2005 till present. The study was approved by the Ethics Committee of Peking University First Hospital and the Institutional Review Board at Peking University. Participants or their parents provided written informed consent before enrollment. We collected a total of 267 mutations from 255 families with probands diagnosed with DS in China. All probands fulfilled the clinical diagnostic criteria.

NM_001165963.4(SCN1A):c.1970C>T (p.Pro657Leu)

Gene: SCN1A (sodium voltage-gated channel alpha subunit 1; minus strand). Cytogenetic location: 2q24.3.
Variant type: single nucleotide variant.
Coding change: c.1970C>T on transcript NM_001165963.4 (MANE Select); coding-DNA position 1970, C replaced by T.
Protein change: p.Pro657Leu; replaces proline 657 with leucine.
Molecular consequence: missense variant. On other transcripts: 5 prime UTR variant (1), non-coding transcript variant (1), intron variant (4).
Genome position (GRCh38, 1-based): chr2:166,043,742, G>A on the plus strand (C>T on the coding strand, the complement: SCN1A is on the minus strand). VCF-style: chr2-166043742-G-A. GRCh37 (hg19) VCF-style: chr2-166900252-G-A.
Other names: c.1970C>T, p.Pro657Leu (NM_001202435.3, NM_001353948.2, NM_001353949.2 and 4 more transcripts); c.1967C>T, p.Pro656Leu (NM_001353954.2, NM_001353955.2); c.-456C>T (NM_001353961.2); c.1959+11C>T (NM_001353958.2, NM_001353957.2, NM_001165964.3); c.1956+11C>T (NM_001353960.2); short protein forms P657L, P656L.
Identifiers: ClinVar variation 190010 (VCV000190010.1), dbSNP rs794726838, ClinGen allele CA303541.